The following is an entry in ClinVar:

NM_020806.5(GPHN):c.83G>A (p.Arg28Lys)

Gene: GPHN (gephyrin; plus strand). Cytogenetic location: 14q23.3.
Variant type: single nucleotide variant.
Coding change: c.83G>A on transcript NM_020806.5 (MANE Select); coding-DNA position 83, G replaced by A.
Protein change: p.Arg28Lys; replaces arginine 28 with lysine.
Molecular consequence: missense variant.
Genome position (GRCh38, 1-based): chr14:66,681,125, G>A. VCF-style: chr14-66681125-G-A. GRCh37 (hg19) VCF-style: chr14-67147843-G-A.
Other names: c.83G>A (NM_020806.4); c.83G>A, p.Arg28Lys (NM_001024218.2, NM_001377514.1, NM_001377515.1 and 4 more transcripts); short protein forms R28K.
Identifiers: ClinVar variation 2693841 (VCV002693841.4), dbSNP rs778183257, ClinGen allele CA7233630.

ClinVar aggregate classification (germline): Uncertain significance. Review status: criteria provided, multiple submitters, no conflicts (2 of 4 stars). 2 submissions from 2 submitters: Uncertain significance (2). Last evaluated 2025-07-04.

Conditions:
Inborn genetic diseases. Identifiers: MedGen C0950123, MeSH D030342.
Sulfite oxidase deficiency due to molybdenum cofactor deficiency type C. Also called: Molybdenum cofactor deficiency, complementation group C; Molybdenum cofactor deficiency C. Identifiers: Orphanet 308400, Orphanet 833, MedGen C1854990, MONDO:0014212, OMIM 615501.

Allele frequency attached by ClinVar (database versions not stated): gnomAD exomes below 0.00001; ExAC 0.00001.
gnomAD v4.1: 5 of 1,593,034 alleles (0.00031%); highest among the groups gnomAD compares: Non-Finnish European, 0.00026%; no homozygotes.

Submissions (2):

Ambry Genetics
Classification: Uncertain significance for Inborn genetic diseases. Last evaluated: 2025-07-04. Review status: criteria provided, single submitter. Criteria: Ambry Variant Classification Scheme 2023. Collection method: clinical testing. Allele origin: germline.

Labcorp Genetics (formerly Invitae), Labcorp
Classification: Uncertain significance for Sulfite oxidase deficiency due to molybdenum cofactor deficiency type C. Last evaluated: 2023-10-17. Review status: criteria provided, single submitter. Criteria: Invitae Variant Classification Sherloc (09022015). Collection method: clinical testing. Allele origin: germline.
Comment: This sequence change replaces arginine, which is basic and polar, with lysine, which is basic and polar, at codon 28 of the GPHN protein (p.Arg28Lys). The frequency data for this variant in the population databases is considered unreliable, as metrics indicate poor data quality at this position in the gnomAD database. This variant has not been reported in the literature in individuals affected with GPHN-related conditions. Advanced modeling of protein sequence and biophysical properties (such as structural, functional, and spatial information, amino acid conservation, physicochemical variation, residue mobility, and thermodynamic stability) performed at Invitae indicates that this missense variant is not expected to disrupt GPHN protein function. In summary, the available evidence is currently insufficient to determine the role of this variant in disease. Therefore, it has been classified as a Variant of Uncertain Significance.